The following is an entry in ClinVar:

NM_000081.4(LYST):c.1500_1501delinsAT (p.His501Tyr)

Gene: LYST (lysosomal trafficking regulator; minus strand). Cytogenetic location: 1q42.3.
Variant type: Indel.
Coding change: c.1500_1501delinsAT on transcript NM_000081.4 (MANE Select); coding-DNA positions 1500 to 1501, GC replaced by AT.
Protein change: p.His501Tyr; replaces histidine 501 with tyrosine.
Molecular consequence: missense variant.
Genome position (GRCh38, 1-based): chr1:235,809,317-235,809,318, GC replaced by AT on the plus strand (GC replaced by AT on the coding strand, the reverse complement: LYST is on the minus strand). VCF-style: chr1-235809317-GC-AT. GRCh37 (hg19) VCF-style: chr1-235972617-GC-AT.
Other names: c.1500_1501delinsAT, p.His501Tyr (NM_001301365.1); short protein forms H501Y.
Identifiers: ClinVar variation 2058703 (VCV002058703.1), dbSNP rs2527114468, ClinGen allele CA2580062483.
Genomic context (GRCh38, chr1:235,809,317, plus strand): 5'-CCAGAAGACCTGAGAGATCTCGGTGATGATGCATAAAATGAGAATATTCACATCGTCTGT[GC>AT]CTTTTTCTTGTACACATCGAATGATGAAGTTGCTCTGATTTCACTTTTTTGACAGTGCTC-3'
Protein context (NP_000072.2, residues 491-511): LHHSMCTRKR[His501Tyr]RRCEYSHFMH

ClinVar aggregate classification (germline): Uncertain significance (1 of 4 stars; one submission).

Conditions:
Chédiak-Higashi syndrome (CHS). Also called: Chediak-Higashi Syndrome. Identifiers: Orphanet 167, MedGen C0007965, MONDO:0008963, OMIM 214500.

Submission:

Labcorp Genetics (formerly Invitae), Labcorp
Classification: Uncertain significance for Chédiak-Higashi syndrome. Last evaluated: 2022-07-11. Review status: criteria provided, single submitter. Criteria: Invitae Variant Classification Sherloc (09022015). Collection method: clinical testing. Allele origin: germline.
Comment: This sequence change replaces histidine, which is basic and polar, with tyrosine, which is neutral and polar, at codon 501 of the LYST protein (p.His501Tyr). Information on the frequency of this variant in the gnomAD database is not available, as this variant may be reported differently in the database. This variant has not been reported in the literature in individuals affected with LYST-related conditions. Experimental studies and prediction algorithms are not available or were not evaluated, and the functional significance of this variant is currently unknown. In summary, the available evidence is currently insufficient to determine the role of this variant in disease. Therefore, it has been classified as a Variant of Uncertain Significance.